The following is an entry in ClinVar:

ClinVar aggregate classification (germline): Uncertain significance (1 of 4 stars; one submission).

Conditions:
GNAQ-related disorder. Also called: GNAQ-related condition.

Submission:

PreventionGenetics, part of Exact Sciences
Classification: Uncertain significance for GNAQ-related condition. Last evaluated: 2022-09-13. Review status: criteria provided, single submitter. Criteria: ACMG Guidelines, 2015. Collection method: clinical testing. Allele origin: germline.
Comment: The GNAQ c.548G>C variant is predicted to result in the amino acid substitution p.Arg183Pro. To our knowledge, this variant has not been reported in the literature or in a large population database, indicating this variant is rare. At this time, the clinical significance of this variant is uncertain due to the absence of conclusive functional and genetic evidence.

NM_002072.5(GNAQ):c.548G>C (p.Arg183Pro)

Gene: GNAQ (G protein subunit alpha q; minus strand). Cytogenetic location: 9q21.2.
Variant type: single nucleotide variant.
Coding change: c.548G>C on transcript NM_002072.5 (MANE Select); coding-DNA position 548, G replaced by C.
Protein change: p.Arg183Pro; replaces arginine 183 with proline.
Molecular consequence: missense variant.
Genome position (GRCh38, 1-based): chr9:77,797,577, C>G on the plus strand (G>C on the coding strand, the complement: GNAQ is on the minus strand). VCF-style: chr9-77797577-C-G. GRCh37 (hg19) VCF-style: chr9-80412493-C-G.
Other names: short protein forms R183P.
Identifiers: ClinVar variation 2636352 (VCV002636352.1), dbSNP rs397514698, ClinGen allele CA373998074.